The following is an entry in ClinVar:

ClinVar aggregate classification (germline): Likely pathogenic (1 of 4 stars; one submission).

Conditions:
Retinitis pigmentosa 12 (RP12). Also called: RP WITH OR WITHOUT PPRPE; RP WITH OR WITHOUT PRESERVED PARAARTERIOLE RETINAL PIGMENT EPITHELIUM; RETINITIS PIGMENTOSA WITH OR WITHOUT PARAARTERIOLAR PRESERVATION OF RETINAL PIGMENT EPITHELIUM. Identifiers: Orphanet 791, MedGen C1838647, MONDO:0010818, OMIM 600105.
Leber congenital amaurosis 8 (LCA8). Identifiers: Orphanet 65, MedGen C3151202, MONDO:0013453, OMIM 613835.

Submission:

Labcorp Genetics (formerly Invitae), Labcorp
Classification: Likely pathogenic for Leber congenital amaurosis 8; Retinitis pigmentosa 12. Last evaluated: 2023-01-24. Review status: criteria provided, single submitter. Criteria: Invitae Variant Classification Sherloc (09022015). Collection method: clinical testing. Allele origin: germline.
Comment: In summary, the currently available evidence indicates that the variant is pathogenic, but additional data are needed to prove that conclusively. Therefore, this variant has been classified as Likely Pathogenic. This variant disrupts the p.Gly850 amino acid residue in CRB1. Other variant(s) that disrupt this residue have been determined to be pathogenic (PMID: 15459956, 20591486, 20956273). This suggests that this residue is clinically significant, and that variants that disrupt this residue are likely to be disease-causing. Advanced modeling of protein sequence and biophysical properties (such as structural, functional, and spatial information, amino acid conservation, physicochemical variation, residue mobility, and thermodynamic stability) performed at Invitae indicates that this missense variant is expected to disrupt CRB1 protein function. This variant has not been reported in the literature in individuals affected with CRB1-related conditions. This variant is not present in population databases (gnomAD no frequency). This sequence change replaces glycine, which is neutral and non-polar, with cysteine, which is neutral and slightly polar, at codon 850 of the CRB1 protein (p.Gly850Cys).

Literature cited by the submitters: PubMed 15459956; PubMed 20591486; PubMed 20956273.

NM_201253.3(CRB1):c.2548G>T (p.Gly850Cys)

Gene: CRB1 (crumbs cell polarity complex component 1; plus strand). Cytogenetic location: 1q31.3.
Variant type: single nucleotide variant.
Coding change: c.2548G>T on transcript NM_201253.3 (MANE Select); coding-DNA position 2548, G replaced by T.
Protein change: p.Gly850Cys; replaces glycine 850 with cysteine.
Molecular consequence: missense variant. On other transcripts: non-coding transcript variant (2), intron variant (1).
Genome position (GRCh38, 1-based): chr1:197,427,873, G>T. VCF-style: chr1-197427873-G-T. GRCh37 (hg19) VCF-style: chr1-197397003-G-T.
Other names: c.2212G>T, p.Gly738Cys (NM_001193640.2); c.2341G>T, p.Gly781Cys (NM_001257965.2); c.2128+5917G>T (NM_001257966.2); short protein forms G738C, G781C, G850C.
Identifiers: ClinVar variation 2943578 (VCV002943578.3), dbSNP rs776591659, ClinGen allele CA344038183.
Genomic context (GRCh38, chr1:197,427,873, plus strand): 5'-ATCTACATTGGTGGCCTACCTGACAAGCAAGAGACTGAACTTAATGGTGGATTCTTCAAA[G>T]GCTGTATCCAAGATGTAAGACTAAACAACCAAAATCTGGAATTCTTTCCAAATCCAACAA-3'
Protein context (NP_957705.1, residues 840-860): ETELNGGFFK[Gly850Cys]CIQDVRLNNQ